The following is an entry in ClinVar:

NM_006947.4(SRP72):c.1589T>C (p.Ile530Thr)

Gene: SRP72 (signal recognition particle 72; plus strand). Cytogenetic location: 4q12.
Variant type: single nucleotide variant.
Coding change: c.1589T>C on transcript NM_006947.4 (MANE Select); coding-DNA position 1589, T replaced by C.
Protein change: p.Ile530Thr; replaces isoleucine 530 with threonine.
Molecular consequence: missense variant. On other transcripts: non-coding transcript variant (1).
Genome position (GRCh38, 1-based): chr4:56,491,517, T>C. VCF-style: chr4-56491517-T-C. GRCh37 (hg19) VCF-style: chr4-57357683-T-C.
Other names: p.Ile530Thr; c.1406T>C, p.Ile469Thr (NM_001267722.2); short protein forms I530T, I469T.
Identifiers: ClinVar variation 212305 (VCV000212305.27), dbSNP rs192401229, ClinGen allele CA208823.

ClinVar aggregate classification (germline): Benign/Likely benign. Review status: criteria provided, multiple submitters, no conflicts (2 of 4 stars). 6 submissions from 6 submitters: Benign (3); Likely benign (3). Last evaluated 2026-02-01.

Conditions:
Autosomal dominant aplasia and myelodysplasia. Also called: Bone marrow failure syndrome 1. Identifiers: Orphanet 314399, MedGen C3808553, MONDO:0013851, OMIM 614675.

Allele frequency attached by ClinVar (database versions not stated): ESP Exome Variant Server 0.00015; gnomAD 0.00048 and 0.00169; TOPMed 0.00078; gnomAD exomes 0.00232; 1000 Genomes Project 30x 0.00843; 1000 Genomes Project 0.00998.

Submissions (6):

Labcorp Genetics (formerly Invitae), Labcorp
Classification: Benign. Last evaluated: 2026-02-01. Review status: criteria provided, single submitter. Criteria: Invitae Variant Classification Sherloc (09022015). Collection method: clinical testing. Allele origin: germline.

Mayo Clinic Laboratories, Mayo Clinic
Classification: Likely benign. Last evaluated: 2025-09-16. Review status: criteria provided, single submitter. Criteria: ACMG Guidelines, 2015. Collection method: clinical testing. Allele origin: germline. Observed: 1 variant allele.
Comment: BS1

GeneDx
Classification: Likely benign. Last evaluated: 2023-05-01. Review status: criteria provided, single submitter. Criteria: GeneDx Variant Classification Process June 2021. Collection method: clinical testing. Allele origin: germline. Affected: yes.
Comment: See Variant Classification Assertion Criteria.

Genetic Services Laboratory, University of Chicago
Classification: Benign. Last evaluated: 2018-07-24. Review status: criteria provided, single submitter. Criteria: ACMG Guidelines, 2015. Collection method: clinical testing. Allele origin: germline. Affected: no.

Illumina Laboratory Services, Illumina
Classification: Benign for Autosomal dominant aplasia and myelodysplasia. Last evaluated: 2018-01-12. Review status: criteria provided, single submitter. Criteria: ICSL Variant Classification Criteria 13 December 2019. Collection method: clinical testing. Allele origin: germline.
Comment: This variant was observed in the ICSL laboratory as part of a predisposition screen in an ostensibly healthy population. It had not been previously curated by ICSL or reported in the Human Gene Mutation Database (HGMD: prior to June 1st, 2018), and was therefore a candidate for classification through an automated scoring system. Utilizing variant allele frequency, disease prevalence and penetrance estimates, and inheritance mode, an automated score was calculated to assess if this variant is too frequent to cause the disease. Based on the score and internal cut-off values, a variant classified as benign is not then subjected to further curation. The score for this variant resulted in a classification of benign for this disease.

Breakthrough Genomics
Classification: Likely benign. Review status: criteria provided, single submitter. Criteria: ACMG Guidelines, 2015. Collection method: not provided. Allele origin: germline. Inheritance: Autosomal dominant inheritance. Affected: yes.